The following is an entry in ClinVar:

NM_001130144.3(LTBP3):c.2895C>T (p.Ala965=)

Gene: LTBP3 (latent transforming growth factor beta binding protein 3; minus strand). Cytogenetic location: 11q13.1.
Variant type: single nucleotide variant.
Coding change: c.2895C>T on transcript NM_001130144.3 (MANE Select); coding-DNA position 2895, C replaced by T.
Protein change: p.Ala965=; no amino-acid change (alanine 965 retained).
Molecular consequence: synonymous variant.
Genome position (GRCh38, 1-based): chr11:65,540,953, G>A on the plus strand (C>T on the coding strand, the complement: LTBP3 is on the minus strand). VCF-style: chr11-65540953-G-A. GRCh37 (hg19) VCF-style: chr11-65308424-G-A.
Other names: c.2544C>T, p.Ala848= (NM_001164266.1); c.2895C>T, p.Ala965= (NM_021070.4).
Identifiers: ClinVar variation 509949 (VCV000509949.12), dbSNP rs199948422, ClinGen allele CA6100440.

ClinVar aggregate classification (germline): Likely benign. Review status: criteria provided, multiple submitters, no conflicts (2 of 4 stars). 4 submissions from 4 submitters: Likely benign (4). Last evaluated 2026-01-13.

Conditions:
Inborn genetic diseases. Identifiers: MedGen C0950123, MeSH D030342.
Brachyolmia-amelogenesis imperfecta syndrome. Also called: PLATYSPONDYLY WITH AMELOGENESIS IMPERFECTA; Tooth agenesis, selective, 6; Dental anomalies and short stature. Identifiers: Orphanet 2899, MedGen C1832594, MONDO:0011018, OMIM 601216. Disease mechanism: loss of function.

Allele frequency attached by ClinVar (database versions not stated): gnomAD exomes 0.00001 and 0.00002; ExAC 0.00002; gnomAD 0.00002 and 0.00003; TOPMed 0.00004.
gnomAD v4.1: 35 of 1,613,004 alleles (0.0022%); highest among the groups gnomAD compares: Non-Finnish European, 0.0027%; no homozygotes.

Submissions (4):

Labcorp Genetics (formerly Invitae), Labcorp
Classification: Likely benign for Brachyolmia-amelogenesis imperfecta syndrome. Last evaluated: 2026-01-13. Review status: criteria provided, single submitter. Criteria: Invitae Variant Classification Sherloc (09022015). Collection method: clinical testing. Allele origin: germline.

Blueprint Genetics
Classification: Likely benign. Last evaluated: 2024-08-28. Review status: criteria provided, single submitter. Criteria: ACMG Guidelines, 2015. Collection method: clinical testing. Allele origin: germline.

Ambry Genetics
Classification: Likely benign for Inborn genetic diseases. Last evaluated: 2019-09-13. Review status: criteria provided, single submitter. Criteria: Ambry Variant Classification Scheme 2023. Collection method: clinical testing. Allele origin: germline.

GeneDx
Classification: Likely benign. Last evaluated: 2017-06-15. Review status: criteria provided, single submitter. Criteria: GeneDx Variant Classification (06012015). Collection method: clinical testing. Allele origin: germline. Affected: yes.
Comment: This variant is considered likely benign or benign based on one or more of the following criteria: it is a conservative change, it occurs at a poorly conserved position in the protein, it is predicted to be benign by multiple in silico algorithms, and/or has population frequency not consistent with disease.